The following is an entry in ClinVar:

ClinVar aggregate classification (germline): Uncertain significance (1 of 4 stars; one submission).

Allele frequency attached by ClinVar (database versions not stated): gnomAD exomes below 0.00001; gnomAD 0.00001; ExAC 0.00002; TOPMed 0.00003; ESP Exome Variant Server 0.00008.
gnomAD v4.1: 5 of 1,613,240 alleles (0.00031%); highest among the groups gnomAD compares: African/African-American, 0.0067%; no homozygotes.

Submission:

Labcorp Genetics (formerly Invitae), Labcorp
Classification: Uncertain significance. Last evaluated: 2023-08-17. Review status: criteria provided, single submitter. Criteria: Invitae Variant Classification Sherloc (09022015). Collection method: clinical testing. Allele origin: germline.
Comment: This sequence change replaces alanine, which is neutral and non-polar, with valine, which is neutral and non-polar, at codon 18 of the STAG1 protein (p.Ala18Val). This variant is present in population databases (rs138064445, gnomAD 0.01%). This variant has not been reported in the literature in individuals affected with STAG1-related conditions. Advanced modeling of protein sequence and biophysical properties (such as structural, functional, and spatial information, amino acid conservation, physicochemical variation, residue mobility, and thermodynamic stability) performed at Invitae indicates that this missense variant is not expected to disrupt STAG1 protein function. In summary, the available evidence is currently insufficient to determine the role of this variant in disease. Therefore, it has been classified as a Variant of Uncertain Significance.

NM_005862.3(STAG1):c.53C>T (p.Ala18Val)

Gene: STAG1 (STAG1 cohesin complex component; minus strand). Cytogenetic location: 3q22.3.
Variant type: single nucleotide variant.
Coding change: c.53C>T on transcript NM_005862.3 (MANE Select); coding-DNA position 53, C replaced by T.
Protein change: p.Ala18Val; replaces alanine 18 with valine.
Molecular consequence: missense variant.
Genome position (GRCh38, 1-based): chr3:136,623,225, G>A on the plus strand (C>T on the coding strand, the complement: STAG1 is on the minus strand). VCF-style: chr3-136623225-G-A. GRCh37 (hg19) VCF-style: chr3-136342067-G-A.
Other names: short protein forms A18V.
Identifiers: ClinVar variation 2784326 (VCV002784326.3), dbSNP rs138064445, ClinGen allele CA2633306.